The following is an entry in ClinVar:

NM_000153.4(GALC):c.293del (p.Ile97_Leu98insTer)

Gene: GALC (galactosylceramidase; minus strand). Cytogenetic location: 14q31.3.
Variant type: Deletion.
Coding change: c.293del on transcript NM_000153.4 (MANE Select); coding-DNA position 293, one base deleted (T; older notation c.293delT).
Protein change: p.Ile97_Leu98insTer.
Molecular consequence: nonsense.
Genome position (GRCh38, 1-based): chr14:87,988,179, A deleted on the plus strand (T on the coding strand, the reverse complement: GALC is on the minus strand); the first of 4 consecutive A bases (chr14:87,988,179-87,988,182); deleting any one gives the same sequence. VCF-style (leftmost placement, unchanged base first): chr14-87988178-TA-T. GRCh37 (hg19) VCF-style: chr14-88454522-TA-T.
Other names: c.224del, p.Ile74_Leu75insTer (NM_001201401.2); c.215del, p.Ile71_Leu72insTer (NM_001201402.2).
Identifiers: ClinVar variation 2033527 (VCV002033527.4), dbSNP rs757799254, ClinGen allele CA2580088857.

ClinVar aggregate classification (germline): Pathogenic (1 of 4 stars; one submission).

Conditions:
Galactosylceramide beta-galactosidase deficiency. Also called: Krabbe Disease; Leukodystrophy, Globoid Cell; GALACTOCEREBROSIDASE DEFICIENCY; GALC DEFICIENCY; GLOBOID CELL LEUKOENCEPHALOPATHY. Identifiers: Orphanet 487, MedGen C0023521, MONDO:0009499, OMIM 245200.

Submission:

Labcorp Genetics (formerly Invitae), Labcorp
Classification: Pathogenic for Galactosylceramide beta-galactosidase deficiency. Last evaluated: 2022-10-08. Review status: criteria provided, single submitter. Criteria: Invitae Variant Classification Sherloc (09022015). Collection method: clinical testing. Allele origin: germline.
Comment: This variant has not been reported in the literature in individuals affected with GALC-related conditions. For these reasons, this variant has been classified as Pathogenic. This variant is not present in population databases (gnomAD no frequency). This sequence change creates a premature translational stop signal (p.Leu98*) in the GALC gene. It is expected to result in an absent or disrupted protein product. Loss-of-function variants in GALC are known to be pathogenic (PMID: 7437911, 9272171, 16607461).

Literature cited by the submitters: PubMed 7437911; PubMed 9272171; PubMed 16607461.